The following is an entry in ClinVar:

NM_004304.5(ALK):c.4217A>G (p.Glu1406Gly)

Gene: ALK (ALK receptor tyrosine kinase; minus strand). Cytogenetic location: 2p23.2.
Variant type: single nucleotide variant.
Coding change: c.4217A>G on transcript NM_004304.5 (MANE Select); coding-DNA position 4217, A replaced by G.
Protein change: p.Glu1406Gly; replaces glutamic acid 1406 with glycine.
Molecular consequence: missense variant.
Genome position (GRCh38, 1-based): chr2:29,193,870, T>C on the plus strand (A>G on the coding strand, the complement: ALK is on the minus strand). VCF-style: chr2-29193870-T-C. GRCh37 (hg19) VCF-style: chr2-29416736-T-C.
Other names: c.1013A>G, p.Glu338Gly (NM_001353765.2); short protein forms E338G, E1406G.
Identifiers: ClinVar variation 2452095 (VCV002452095.5), dbSNP rs2465875342, ClinGen allele CA346463281.

ClinVar aggregate classification (germline): Uncertain significance. Review status: criteria provided, multiple submitters, no conflicts (2 of 4 stars). 2 submissions from 2 submitters: Uncertain significance (2). Last evaluated 2022-12-30.

Conditions:
Neuroblastoma, susceptibility to, 3. Also called: ALK-Related Neuroblastic Tumor Susceptibility. Identifiers: Orphanet 635, MedGen C2751681, MONDO:0013083, OMIM 613014.
Hereditary cancer-predisposing syndrome. Also called: Hereditary neoplastic syndrome; Tumor predisposition; Neoplastic Syndromes, Hereditary; Hereditary Cancer Syndrome. Identifiers: Orphanet 140162, MedGen C0027672, MeSH D009386, MONDO:0015356.

Submissions (2):

Labcorp Genetics (formerly Invitae), Labcorp
Classification: Uncertain significance for Neuroblastoma, susceptibility to, 3. Last evaluated: 2022-12-30. Review status: criteria provided, single submitter. Criteria: Invitae Variant Classification Sherloc (09022015). Collection method: clinical testing. Allele origin: germline.
Comment: This sequence change replaces glutamic acid, which is acidic and polar, with glycine, which is neutral and non-polar, at codon 1406 of the ALK protein (p.Glu1406Gly). In summary, the available evidence is currently insufficient to determine the role of this variant in disease. Therefore, it has been classified as a Variant of Uncertain Significance. Algorithms developed to predict the effect of sequence changes on RNA splicing suggest that this variant may create or strengthen a splice site. Algorithms developed to predict the effect of missense changes on protein structure and function are either unavailable or do not agree on the potential impact of this missense change (SIFT: "Deleterious"; PolyPhen-2: "Possibly Damaging"; Align-GVGD: "Class C0"). This variant has not been reported in the literature in individuals affected with ALK-related conditions. This variant is not present in population databases (gnomAD no frequency).

Ambry Genetics
Classification: Uncertain significance for Hereditary cancer-predisposing syndrome. Last evaluated: 2022-11-17. Review status: criteria provided, single submitter. Criteria: Ambry Variant Classification Scheme 2023. Collection method: clinical testing. Allele origin: germline.
Comment: The p.E1406G variant (also known as c.4217A>G), located in coding exon 29 of the ALK gene, results from an A to G substitution at nucleotide position 4217. The glutamic acid at codon 1406 is replaced by glycine, an amino acid with similar properties. This amino acid position is conserved. In addition, the in silico prediction for this alteration is inconclusive. Since supporting evidence is limited at this time, the clinical significance of this alteration remains unclear.